The following is an entry in ClinVar:

NM_004168.4(SDHA):c.1409G>A (p.Ser470Asn)

Gene: SDHA (succinate dehydrogenase complex flavoprotein subunit A; plus strand). Cytogenetic location: 5p15.33.
Variant type: single nucleotide variant.
Coding change: c.1409G>A on transcript NM_004168.4 (MANE Select); coding-DNA position 1409, G replaced by A.
Protein change: p.Ser470Asn; replaces serine 470 with asparagine.
Molecular consequence: missense variant.
Genome position (GRCh38, 1-based): chr5:236,576, G>A. VCF-style: chr5-236576-G-A. GRCh37 (hg19) VCF-style: chr5-236691-G-A.
Other names: c.1265G>A, p.Ser422Asn (NM_001294332.2); c.1409G>A, p.Ser470Asn (NM_001330758.2); short protein forms S470N, S422N.
Identifiers: ClinVar variation 655805 (VCV000655805.17), dbSNP rs1241820374, ClinGen allele CA359014094.

ClinVar aggregate classification (germline): Uncertain significance. Review status: criteria provided, multiple submitters, no conflicts (2 of 4 stars). 3 submissions from 3 submitters: Uncertain significance (3). Last evaluated 2026-01-12.

Conditions:
Mitochondrial complex II deficiency, nuclear type 1. Also called: SUCCINATE CoQ REDUCTASE DEFICIENCY. Identifiers: Orphanet 3208, MedGen C5700310, MONDO:0100294, OMIM 252011.
Pheochromocytoma/paraganglioma syndrome 5. Also called: Paragangliomas 5; SDHA-Related Hereditary Paraganglioma-Pheochromocytoma Syndrome. Identifiers: Orphanet 29072, MedGen C3279992, MONDO:0013602, OMIM 614165.
Hereditary cancer-predisposing syndrome. Also called: Hereditary Cancer Syndrome; Hereditary neoplastic syndrome; Tumor predisposition; Neoplastic Syndromes, Hereditary. Identifiers: Orphanet 140162, MedGen C0027672, MeSH D009386, MONDO:0015356.

Allele frequency attached by ClinVar (database versions not stated): gnomAD exomes below 0.00001; TOPMed below 0.00001.

Submissions (3):

Labcorp Genetics (formerly Invitae), Labcorp
Classification: Uncertain significance for Pheochromocytoma/paraganglioma syndrome 5; Mitochondrial complex II deficiency, nuclear type 1. Last evaluated: 2026-01-12. Review status: criteria provided, single submitter. Criteria: Invitae Variant Classification Sherloc (09022015). Collection method: clinical testing. Allele origin: germline.
Comment: This sequence change replaces serine, which is neutral and polar, with asparagine, which is neutral and polar, at codon 470 of the SDHA protein (p.Ser470Asn). This variant is present in population databases (no rsID available, gnomAD 0.003%). This variant has not been reported in the literature in individuals affected with SDHA-related conditions. ClinVar contains an entry for this variant (Variation ID: 655805). Invitae Evidence Modeling of protein sequence and biophysical properties (such as structural, functional, and spatial information, amino acid conservation, physicochemical variation, residue mobility, and thermodynamic stability) indicates that this missense variant is not expected to disrupt SDHA protein function with a negative predictive value of 95%. In summary, the available evidence is currently insufficient to determine the role of this variant in disease. Therefore, it has been classified as a Variant of Uncertain Significance.

Dasa
Classification: Uncertain significance. Last evaluated: 2025-05-14. Review status: criteria provided, single submitter. Criteria: DASA Assertion Criteria. Collection method: clinical testing. Allele origin: germline.
Comment: NM_004168.4(SDHA):c.1409G>A (p.Ser470Asn) is a missense variant that results in the substitution of serine with asparagine. This variant is absent from population databases. The currently available literature and clinical evidence are not sufficient to establish a definitive association between this variant and the reported condition. Therefore, this variant is classified as a variant of uncertain significance.

Ambry Genetics
Classification: Uncertain significance for Hereditary cancer-predisposing syndrome. Last evaluated: 2024-02-07. Review status: criteria provided, single submitter. Criteria: Ambry Variant Classification Scheme 2023. Collection method: clinical testing. Allele origin: germline.
Comment: The p.S470N variant (also known as c.1409G>A), located in coding exon 10 of the SDHA gene, results from a G to A substitution at nucleotide position 1409. The serine at codon 470 is replaced by asparagine, an amino acid with highly similar properties. This amino acid position is not well conserved in available vertebrate species. In addition, this alteration is predicted to be tolerated by in silico analysis. Since supporting evidence is limited at this time, the clinical significance of this alteration remains unclear.